The following is an entry in ClinVar:

NM_006614.4(CHL1):c.576C>A (p.Asn192Lys)

Gene: CHL1 (cell adhesion molecule L1 like; plus strand). Cytogenetic location: 3p26.3.
Variant type: single nucleotide variant.
Coding change: c.576C>A on transcript NM_006614.4 (MANE Select); coding-DNA position 576, C replaced by A.
Protein change: p.Asn192Lys; replaces asparagine 192 with lysine.
Molecular consequence: missense variant.
Genome position (GRCh38, 1-based): chr3:341,979, C>A. VCF-style: chr3-341979-C-A. GRCh37 (hg19) VCF-style: chr3-383662-C-A.
Other names: c.576C>A, p.Asn192Lys (NM_001253387.2, NM_001253388.1); short protein forms N192K.
Identifiers: ClinVar variation 3348997 (VCV003348997.1).
Genomic context (GRCh38, chr3:341,979, plus strand): 5'-ACACATCGAACAAGATGAAAGAGTATACATGAGCCAAAAGGGAGATCTATACTTCGCAAA[C>A]GTGGAAGAAAAGGACAGTCGCAATGACTACTGTTGCTTTGCTGCATTTCCAAGATTAAGG-3'
Protein context (NP_006605.2, residues 182-202): MSQKGDLYFA[Asn192Lys]VEEKDSRNDY

ClinVar aggregate classification (germline): Uncertain significance (0 of 4 stars; one submission).

Conditions:
CHL1-related disorder. Also called: CHL1-related condition.

Submission:

PreventionGenetics, part of Exact Sciences
Classification: Uncertain significance for CHL1-related condition. Last evaluated: 2024-08-29. Review status: no assertion criteria provided. Collection method: clinical testing. Allele origin: germline.
Comment: The CHL1 c.576C>A variant is predicted to result in the amino acid substitution p.Asn192Lys. To our knowledge, this variant has not been reported in the literature or in a large population database, indicating this variant is rare. At this time, the clinical significance of this variant is uncertain due to the absence of conclusive functional and genetic evidence.